The following is an entry in ClinVar:

ClinVar aggregate classification (germline): Benign/Likely benign. Review status: criteria provided, multiple submitters, no conflicts (2 of 4 stars). 3 submissions from 3 submitters: Benign (1); Likely benign (2). Last evaluated 2026-03-01.

Conditions:
Inborn genetic diseases. Identifiers: MedGen C0950123, MeSH D030342.

Allele frequency attached by ClinVar (database versions not stated): gnomAD exomes 0.00006; gnomAD 0.00010; 1000 Genomes Project 30x 0.00016.
gnomAD v4.1: 91 of 1,367,938 alleles (0.0067%); highest among the groups gnomAD compares: Middle Eastern, 0.027%; no homozygotes.

Submissions (3):

CeGaT Center for Human Genetics Tuebingen
Classification: Likely benign. Last evaluated: 2026-03-01. Review status: criteria provided, single submitter. Criteria: CeGaT Center For Human Genetics Tuebingen Variant Classification Criteria Version 2. Collection method: clinical testing. Allele origin: germline. Affected: yes. Observed: 1 variant allele.
Comment: CDK13: PP2, BS2

Labcorp Genetics (formerly Invitae), Labcorp
Classification: Benign. Last evaluated: 2025-10-02. Review status: criteria provided, single submitter. Criteria: Invitae Variant Classification Sherloc (09022015). Collection method: clinical testing. Allele origin: germline.

Ambry Genetics
Classification: Likely benign for Inborn genetic diseases. Last evaluated: 2025-01-16. Review status: criteria provided, single submitter. Criteria: Ambry Variant Classification Scheme 2023. Collection method: clinical testing. Allele origin: germline.

NM_003718.5(CDK13):c.229T>G (p.Ser77Ala)

Genes: CDK13 (cyclin dependent kinase 13; plus strand), LOC129998292 (ATAC-STARR-seq lymphoblastoid silent region 18115; plus strand). Cytogenetic location: 7p14.1.
Variant type: single nucleotide variant.
Coding change: c.229T>G on transcript NM_003718.5 (MANE Select); coding-DNA position 229, T replaced by G.
Protein change: p.Ser77Ala; replaces serine 77 with alanine.
Molecular consequence: missense variant.
Genome position (GRCh38, 1-based): chr7:39,950,870, T>G. VCF-style: chr7-39950870-T-G. GRCh37 (hg19) VCF-style: chr7-39990469-T-G.
Other names: c.229T>G, p.Ser77Ala (NM_031267.4); short protein forms S77A.
Identifiers: ClinVar variation 2919322 (VCV002919322.8), dbSNP rs902762110, ClinGen allele CA157707133.